The following is an entry in ClinVar:

NM_054012.4(ASS1):c.482T>A (p.Met161Lys)

Gene: ASS1 (argininosuccinate synthase 1; plus strand). Cytogenetic location: 9q34.11.
Variant type: single nucleotide variant.
Coding change: c.482T>A on transcript NM_054012.4 (MANE Select); coding-DNA position 482, T replaced by A.
Protein change: p.Met161Lys; replaces methionine 161 with lysine.
Molecular consequence: missense variant.
Genome position (GRCh38, 1-based): chr9:130,466,786, T>A. VCF-style: chr9-130466786-T-A. GRCh37 (hg19) VCF-style: chr9-133342173-T-A.
Other names: c.482T>A, p.Met161Lys (NM_000050.4); short protein forms M161K.
Identifiers: ClinVar variation 4738436 (VCV004738436.1).

ClinVar aggregate classification (germline): Uncertain significance (1 of 4 stars; one submission).

Conditions:
Citrullinemia. Identifiers: Orphanet 187, MedGen C0175683, MONDO:0015991.

Submission:

Labcorp Genetics (formerly Invitae), Labcorp
Classification: Uncertain significance for Citrullinemia. Last evaluated: 2025-09-19. Review status: criteria provided, single submitter. Criteria: Invitae Variant Classification Sherloc (09022015). Collection method: clinical testing. Allele origin: germline.
Comment: This sequence change replaces methionine, which is neutral and non-polar, with lysine, which is basic and polar, at codon 161 of the ASS1 protein (p.Met161Lys). This variant is not present in population databases (gnomAD no frequency). This missense change has been observed in individual(s) with features of citrullinemia (internal data). In at least one individual the data is consistent with being in trans (on the opposite chromosome) from a pathogenic variant. Invitae Evidence Modeling of protein sequence and biophysical properties (such as structural, functional, and spatial information, amino acid conservation, physicochemical variation, residue mobility, and thermodynamic stability) indicates that this missense variant is not expected to disrupt ASS1 protein function with a negative predictive value of 80%. In summary, the available evidence is currently insufficient to determine the role of this variant in disease. Therefore, it has been classified as a Variant of Uncertain Significance.